The following is an entry in ClinVar:

NM_024009.3(GJB3):c.255A>G (p.Thr85=)

Gene: GJB3 (gap junction protein beta 3; plus strand). Cytogenetic location: 1p34.3.
Variant type: single nucleotide variant.
Coding change: c.255A>G on transcript NM_024009.3 (MANE Select); coding-DNA position 255, A replaced by G.
Protein change: p.Thr85=; no amino-acid change (threonine 85 retained).
Molecular consequence: synonymous variant.
Genome position (GRCh38, 1-based): chr1:34,785,017, A>G. VCF-style: chr1-34785017-A-G. GRCh37 (hg19) VCF-style: chr1-35250618-A-G.
Other names: c.255A>G, p.Thr85= (NM_001005752.2).
Identifiers: ClinVar variation 2638641 (VCV002638641.24), dbSNP rs2521971506, ClinGen allele CA417248898.

ClinVar aggregate classification (germline): Likely benign (1 of 4 stars; one submission).

Submission:

CeGaT Center for Human Genetics Tuebingen
Classification: Likely benign. Last evaluated: 2022-11-01. Review status: criteria provided, single submitter. Criteria: CeGaT Center For Human Genetics Tuebingen Variant Classification Criteria Version 2. Collection method: clinical testing. Allele origin: germline. Affected: yes. Observed: 1 variant allele.
Comment: GJB3: PM2:Supporting, BP4, BP7